The following is an entry in ClinVar:

NM_004360.5(CDH1):c.2440-52A>G

Gene: CDH1 (cadherin 1; plus strand). Cytogenetic location: 16q22.1.
Variant type: single nucleotide variant.
Coding change: c.2440-52A>G on transcript NM_004360.5 (MANE Select); 52 bases into the intron before coding-DNA position 2440, A replaced by G.
Molecular consequence: intron variant.
Genome position (GRCh38, 1-based): chr16:68,833,238, A>G. VCF-style: chr16-68833238-A-G. GRCh37 (hg19) VCF-style: chr16-68867141-A-G.
Other names: c.475-52A>G (NM_001317186.2); c.2257-52A>G (NM_001317184.2); c.892-52A>G (NM_001317185.2).
Identifiers: ClinVar variation 2503010 (VCV002503010.1), dbSNP rs754851643, ClinGen allele CA283319642.

ClinVar aggregate classification (germline): Uncertain significance (1 of 4 stars; one submission).

Conditions:
Hereditary diffuse gastric adenocarcinoma (HDGC). Also called: DIFFUSE GASTRIC AND LOBULAR BREAST CANCER SYNDROME. Identifiers: Orphanet 26106, MedGen C1708349, MONDO:0007648, OMIM 137215.

Allele frequency attached by ClinVar (database versions not stated): gnomAD 0.00003; TOPMed 0.00003; gnomAD exomes 0.00005.
gnomAD v4.1: 69 of 1,503,410 alleles (0.0046%); highest among the groups gnomAD compares: Non-Finnish European, 0.006%; no homozygotes.

Submission:

European Reference Network on Genetic Tumour Risk Syndromes (ERN-GENTURIS), i3s - Instituto de Investigação e Inovação em Saúde, University of Porto
Classification: Uncertain significance for Hereditary diffuse gastric adenocarcinoma. Last evaluated: 2022-08-01. Review status: criteria provided, single submitter. Criteria: Lee et al. (Hum Mutat. 2018). Collection method: clinical testing. Allele origin: germline. Inheritance: Autosomal dominant inheritance. Affected: no. Study: ERN GENTURIS.
Comment: Not applicable criteria (PMID: 30311375)

Literature cited by the submitters: PubMed 36436516.